The following is an entry in ClinVar:

ClinVar aggregate classification (germline): Uncertain significance (1 of 4 stars; one submission).

Conditions:
Nephrolithiasis/nephrocalcinosis. Identifiers: MedGen CN580796.

Submission:

Ambry Genetics
Classification: Uncertain significance for Nephrolithiasis/nephrocalcinosis. Last evaluated: 2023-09-14. Review status: criteria provided, single submitter. Criteria: Ambry Variant Classification Scheme 2023. Collection method: clinical testing. Allele origin: germline.
Comment: The p.G571A variant (also known as c.1712G>C), located in coding exon 5 of the CASR gene, results from a G to C substitution at nucleotide position 1712. The glycine at codon 571 is replaced by alanine, an amino acid with similar properties. This amino acid position is conserved. In addition, this alteration is predicted to be deleterious by in silico analysis. Since supporting evidence is limited at this time, the clinical significance of this alteration remains unclear.

NM_000388.4(CASR):c.1712G>C (p.Gly571Ala)

Gene: CASR (calcium sensing receptor; plus strand). Cytogenetic location: 3q21.1.
Variant type: single nucleotide variant.
Coding change: c.1712G>C on transcript NM_000388.4 (MANE Select); coding-DNA position 1712, G replaced by C.
Protein change: p.Gly571Ala; replaces glycine 571 with alanine.
Molecular consequence: missense variant.
Genome position (GRCh38, 1-based): chr3:122,282,216, G>C. VCF-style: chr3-122282216-G-C. GRCh37 (hg19) VCF-style: chr3-122001063-G-C.
Other names: c.1742G>C, p.Gly581Ala (NM_001178065.2); short protein forms G571A, G581A.
Identifiers: ClinVar variation 3231509 (VCV003231509.1), dbSNP rs2473272955, ClinGen allele CA354156334.